The following is an entry in ClinVar:

ClinVar aggregate classification (germline): Uncertain significance (1 of 4 stars; one submission).

Submission:

Labcorp Genetics (formerly Invitae), Labcorp
Classification: Uncertain significance. Last evaluated: 2025-04-08. Review status: criteria provided, single submitter. Criteria: Invitae Variant Classification Sherloc (09022015). Collection method: clinical testing. Allele origin: germline.
Comment: This sequence change replaces aspartic acid, which is acidic and polar, with glycine, which is neutral and non-polar, at codon 34 of the BACH2 protein (p.Asp34Gly). This variant is not present in population databases (gnomAD no frequency). This variant has not been reported in the literature in individuals affected with BACH2-related conditions. Invitae Evidence Modeling of protein sequence and biophysical properties (such as structural, functional, and spatial information, amino acid conservation, physicochemical variation, residue mobility, and thermodynamic stability) indicates that this missense variant is not expected to disrupt BACH2 protein function with a negative predictive value of 80%. In summary, the available evidence is currently insufficient to determine the role of this variant in disease. Therefore, it has been classified as a Variant of Uncertain Significance.

NM_021813.4(BACH2):c.101A>G (p.Asp34Gly)

Gene: BACH2 (BACH transcriptional regulator 2; minus strand). Cytogenetic location: 6q15.
Variant type: single nucleotide variant.
Coding change: c.101A>G on transcript NM_021813.4 (MANE Select); coding-DNA position 101, A replaced by G.
Protein change: p.Asp34Gly; replaces aspartic acid 34 with glycine.
Molecular consequence: missense variant.
Genome position (GRCh38, 1-based): chr6:90,008,744, T>C on the plus strand (A>G on the coding strand, the complement: BACH2 is on the minus strand). VCF-style: chr6-90008744-T-C. GRCh37 (hg19) VCF-style: chr6-90718463-T-C.
Other names: c.101A>G, p.Asp34Gly (NM_001170794.2); short protein forms D34G.
Identifiers: ClinVar variation 4743879 (VCV004743879.1).